The following is an entry in ClinVar:

ClinVar aggregate classification (germline): Uncertain significance (1 of 4 stars; one submission).

Submission:

Greenwood Genetic Center Diagnostic Laboratories, Greenwood Genetic Center
Classification: Uncertain significance. Last evaluated: 2022-03-11. Review status: criteria provided, single submitter. Criteria: ACMG Guidelines, 2015. Collection method: clinical testing. Allele origin: germline. Affected: yes.
Comment: Gene of Uncertain Significance for autosomal dominant inheritance

NM_001905.4(CTPS1):c.1471T>C (p.Cys491Arg)

Gene: CTPS1 (CTP synthase 1; plus strand). Cytogenetic location: 1p34.2.
Variant type: single nucleotide variant.
Coding change: c.1471T>C on transcript NM_001905.4 (MANE Select); coding-DNA position 1471, T replaced by C.
Protein change: p.Cys491Arg; replaces cysteine 491 with arginine.
Molecular consequence: missense variant. On other transcripts: non-coding transcript variant (1).
Genome position (GRCh38, 1-based): chr1:41,008,815, T>C. VCF-style: chr1-41008815-T-C. GRCh37 (hg19) VCF-style: chr1-41474487-T-C.
Other names: c.1003T>C, p.Cys335Arg (NM_001301237.2); short protein forms C335R, C491R.
Identifiers: ClinVar variation 1676482 (VCV001676482.3), dbSNP rs2148420580, ClinGen allele CA339906269.